The following is an entry in ClinVar:

NM_014809.4(KIAA0319):c.3038A>G (p.Tyr1013Cys)

Gene: KIAA0319 (KIAA0319; minus strand). Cytogenetic location: 6p22.3.
Variant type: single nucleotide variant.
Coding change: c.3038A>G on transcript NM_014809.4 (MANE Select); coding-DNA position 3038, A replaced by G.
Protein change: p.Tyr1013Cys; replaces tyrosine 1013 with cysteine.
Molecular consequence: missense variant. On other transcripts: 3 prime UTR variant (2), intron variant (1).
Genome position (GRCh38, 1-based): chr6:24,551,436, T>C on the plus strand (A>G on the coding strand, the complement: KIAA0319 is on the minus strand). VCF-style: chr6-24551436-T-C. GRCh37 (hg19) VCF-style: chr6-24551664-T-C.
Other names: c.3011A>G, p.Tyr1004Cys (NM_001168374.2); c.3038A>G, p.Tyr1013Cys (NM_001168375.2, NM_001350403.2); c.2903A>G, p.Tyr968Cys (NM_001168376.2, NM_001350406.2); c.1271A>G, p.Tyr424Cys (NM_001252328.2); c.3020A>G, p.Tyr1007Cys (NM_001350404.2); c.2939A>G, p.Tyr980Cys (NM_001350405.2); c.*10A>G (NM_001350407.2, NM_001350408.2); c.2582A>G, p.Tyr861Cys (NM_001350409.2, NM_001350410.2); and 1 more; short protein forms Y1004C, Y1007C, Y1013C, Y424C, Y861C, Y968C, Y980C.
Identifiers: ClinVar variation 3060890 (VCV003060890.2), dbSNP rs807534, ClinGen allele CA3657037.

ClinVar aggregate classification (germline): Benign (0 of 4 stars; one submission).

Conditions:
KIAA0319-related disorder. Also called: KIAA0319-related condition.

Allele frequency attached by ClinVar (database versions not stated): 1000 Genomes Project 0.09685; 1000 Genomes Project 30x 0.09806; TOPMed 0.11447; gnomAD 0.11747; ExAC 0.12015; ESP Exome Variant Server 0.12025; gnomAD exomes 0.13200.
gnomAD v4.1: 208,011 of 1,593,340 alleles (13%); highest among the groups gnomAD compares: Non-Finnish European, 14%; 14,484 homozygotes.

Submission:

PreventionGenetics, part of Exact Sciences
Classification: Benign for KIAA0319-related condition. Last evaluated: 2019-12-23. Review status: no assertion criteria provided. Collection method: clinical testing. Allele origin: germline.
Comment: This variant is classified as benign based on ACMG/AMP sequence variant interpretation guidelines (Richards et al. 2015 PMID: 25741868, with internal and published modifications).